The following is an entry in ClinVar:

NM_001458.5(FLNC):c.652G>T (p.Ala218Ser)

Gene: FLNC (filamin C; plus strand). Cytogenetic location: 7q32.1.
Variant type: single nucleotide variant.
Coding change: c.652G>T on transcript NM_001458.5 (MANE Select); coding-DNA position 652, G replaced by T.
Protein change: p.Ala218Ser; replaces alanine 218 with serine.
Molecular consequence: missense variant.
Genome position (GRCh38, 1-based): chr7:128,837,210, G>T. VCF-style: chr7-128837210-G-T. GRCh37 (hg19) VCF-style: chr7-128477264-G-T.
Other names: c.652G>T, p.Ala218Ser (NM_001127487.2); short protein forms A218S.
Identifiers: ClinVar variation 4812398 (VCV004812398.1).

ClinVar aggregate classification (germline): Uncertain significance (1 of 4 stars; one submission).

Conditions:
Hypertrophic cardiomyopathy 26. Also called: Cardiomyopathy, familial hypertrophic, 26. Identifiers: Orphanet 75249, MedGen C4310749, MONDO:0014883, OMIM 617047.
Myofibrillar myopathy 5. Also called: Filaminopathy (type); FILAMINOPATHY, AUTOSOMAL DOMINANT. Identifiers: Orphanet 171445, MedGen C1836050, MONDO:0012289, OMIM 609524.
Distal myopathy with posterior leg and anterior hand involvement. Also called: WILLIAMS DISTAL MYOPATHY. Identifiers: Orphanet 63273, MedGen C3279722, MONDO:0013550, OMIM 614065.

gnomAD v4.1: 3 of 1,601,982 alleles (0.00019%); highest among the groups gnomAD compares: Non-Finnish European, 0.000085%; no homozygotes.

Submission:

Labcorp Genetics (formerly Invitae), Labcorp
Classification: Uncertain significance for Distal myopathy with posterior leg and anterior hand involvement; Myofibrillar myopathy 5; Hypertrophic cardiomyopathy 26. Last evaluated: 2025-03-14. Review status: criteria provided, single submitter. Criteria: Invitae Variant Classification Sherloc (09022015). Collection method: clinical testing. Allele origin: germline.
Comment: This sequence change replaces alanine, which is neutral and non-polar, with serine, which is neutral and polar, at codon 218 of the FLNC protein (p.Ala218Ser). The frequency data for this variant in the population databases is considered unreliable, as metrics indicate poor data quality at this position in the gnomAD database. This variant has not been reported in the literature in individuals affected with FLNC-related conditions. Invitae Evidence Modeling of protein sequence and biophysical properties (such as structural, functional, and spatial information, amino acid conservation, physicochemical variation, residue mobility, and thermodynamic stability) has been performed for this missense variant. However, the output from this modeling did not meet the statistical confidence thresholds required to predict the impact of this variant on FLNC protein function. In summary, the available evidence is currently insufficient to determine the role of this variant in disease. Therefore, it has been classified as a Variant of Uncertain Significance.